The following is an entry in ClinVar:

ClinVar aggregate classification (germline): Likely benign (0 of 4 stars; one submission).

Conditions:
TDO2-related disorder. Also called: TDO2-related condition.

Allele frequency attached by ClinVar (database versions not stated): 1000 Genomes Project 30x 0.00047; 1000 Genomes Project 0.00060.
gnomAD v4.1: 200 of 1,601,810 alleles (0.012%); highest among the groups gnomAD compares: East Asian, 0.41%; no homozygotes.

Submission:

PreventionGenetics, part of Exact Sciences
Classification: Likely benign for TDO2-related condition. Last evaluated: 2019-09-10. Review status: no assertion criteria provided. Collection method: clinical testing. Allele origin: germline.
Comment: This variant is classified as likely benign based on ACMG/AMP sequence variant interpretation guidelines (Richards et al. 2015 PMID: 25741868, with internal and published modifications).

NM_005651.4(TDO2):c.803T>A (p.Phe268Tyr)

Gene: TDO2 (tryptophan 2,3-dioxygenase; plus strand). Cytogenetic location: 4q32.1.
Variant type: single nucleotide variant.
Coding change: c.803T>A on transcript NM_005651.4 (MANE Select); coding-DNA position 803, T replaced by A.
Protein change: p.Phe268Tyr; replaces phenylalanine 268 with tyrosine.
Molecular consequence: missense variant.
Genome position (GRCh38, 1-based): chr4:155,914,399, T>A. VCF-style: chr4-155914399-T-A. GRCh37 (hg19) VCF-style: chr4-156835551-T-A.
Other names: short protein forms F268Y.
Identifiers: ClinVar variation 3039956 (VCV003039956.2), dbSNP rs183229581, ClinGen allele CA3118886.